The following is an entry in ClinVar:

ClinVar aggregate classification (germline): Uncertain significance (1 of 4 stars; one submission).

Conditions:
CIC-related disorder. Also called: CIC-related condition.

Allele frequency attached by ClinVar (database versions not stated): gnomAD exomes below 0.00001.
gnomAD v4.1: 2 of 1,613,526 alleles (0.00012%); highest among the groups gnomAD compares: Admixed American, 0.0033%; no homozygotes.

Submission:

PreventionGenetics, part of Exact Sciences
Classification: Uncertain significance for CIC-related condition. Last evaluated: 2023-01-12. Review status: criteria provided, single submitter. Criteria: ACMG Guidelines, 2015. Collection method: clinical testing. Allele origin: germline.
Comment: The CIC c.2140G>C variant is predicted to result in the amino acid substitution p.Gly714Arg. To our knowledge, this variant has not been reported in the literature. This variant is reported in 0.0029% of alleles in individuals of Latino descent in gnomAD. At this time, the clinical significance of this variant is uncertain due to the absence of conclusive functional and genetic evidence.

NM_001386298.1(CIC):c.4867G>C (p.Gly1623Arg)

Gene: CIC (capicua transcriptional repressor; plus strand). Cytogenetic location: 19q13.2.
Variant type: single nucleotide variant.
Coding change: c.4867G>C on transcript NM_001386298.1 (MANE Select); coding-DNA position 4867, G replaced by C.
Protein change: p.Gly1623Arg; replaces glycine 1623 with arginine.
Molecular consequence: missense variant.
Genome position (GRCh38, 1-based): chr19:42,290,908, G>C. VCF-style: chr19-42290908-G-C. GRCh37 (hg19) VCF-style: chr19-42795060-G-C.
Other names: c.4867G>C, p.Gly1623Arg (NM_001304815.2, NM_001379480.1, NM_001379482.1 and 1 more transcripts); c.2140G>C, p.Gly714Arg (NM_001379484.1, NM_001379485.1, NM_015125.5); short protein forms G1623R, G714R.
Identifiers: ClinVar variation 2629778 (VCV002629778.1), dbSNP rs1291674857, ClinGen allele CA406109680.